The following is an entry in ClinVar:

ClinVar aggregate classification (germline): Uncertain significance. Review status: criteria provided, multiple submitters, no conflicts (2 of 4 stars). 3 submissions from 3 submitters: Uncertain significance (3). Last evaluated 2024-03-21.

Conditions:
Hereditary nonpolyposis colorectal neoplasms. Identifiers: MedGen C0009405, MeSH D003123.
Hereditary cancer-predisposing syndrome. Also called: Hereditary neoplastic syndrome; Neoplastic Syndromes, Hereditary; Tumor predisposition; Hereditary Cancer Syndrome. Identifiers: Orphanet 140162, MedGen C0027672, MeSH D009386, MONDO:0015356.

Submissions (3):

Ambry Genetics
Classification: Uncertain significance for Hereditary cancer-predisposing syndrome. Last evaluated: 2024-03-21. Review status: criteria provided, single submitter. Criteria: Ambry Variant Classification Scheme 2023. Collection method: clinical testing. Allele origin: germline.
Comment: The p.V364L variant (also known as c.1090G>C), located in coding exon 4 of the MSH6 gene, results from a G to C substitution at nucleotide position 1090. The valine at codon 364 is replaced by leucine, an amino acid with highly similar properties. This amino acid position is not well conserved in available vertebrate species. In addition, this alteration is predicted to be tolerated by in silico analysis. Since supporting evidence is limited at this time, the clinical significance of this alteration remains unclear.

Labcorp Genetics (formerly Invitae), Labcorp
Classification: Uncertain significance for Hereditary nonpolyposis colorectal neoplasms. Last evaluated: 2024-02-14. Review status: criteria provided, single submitter. Criteria: Invitae Variant Classification Sherloc (09022015). Collection method: clinical testing. Allele origin: germline.
Comment: This sequence change replaces valine, which is neutral and non-polar, with leucine, which is neutral and non-polar, at codon 364 of the MSH6 protein (p.Val364Leu). This variant is not present in population databases (gnomAD no frequency). This variant has not been reported in the literature in individuals affected with MSH6-related conditions. ClinVar contains an entry for this variant (Variation ID: 1316992). Advanced modeling of protein sequence and biophysical properties (such as structural, functional, and spatial information, amino acid conservation, physicochemical variation, residue mobility, and thermodynamic stability) performed at Invitae indicates that this missense variant is not expected to disrupt MSH6 protein function with a negative predictive value of 95%. In summary, the available evidence is currently insufficient to determine the role of this variant in disease. Therefore, it has been classified as a Variant of Uncertain Significance.

GeneDx
Classification: Uncertain significance. Last evaluated: 2022-03-24. Review status: criteria provided, single submitter. Criteria: GeneDx Variant Classification Process June 2021. Collection method: clinical testing. Allele origin: germline. Affected: yes.
Comment: Not observed at significant frequency in large population cohorts (gnomAD); In silico analysis supports that this missense variant does not alter protein structure/function; Has not been previously published as pathogenic or benign to our knowledge; This variant is associated with the following publications: (PMID: 17531815, 21120944)

NM_000179.3(MSH6):c.1090G>C (p.Val364Leu)

Gene: MSH6 (mutS homolog 6; plus strand). Cytogenetic location: 2p16.3.
Variant type: single nucleotide variant.
Coding change: c.1090G>C on transcript NM_000179.3 (MANE Select); coding-DNA position 1090, G replaced by C.
Protein change: p.Val364Leu; replaces valine 364 with leucine.
Molecular consequence: missense variant.
Genome position (GRCh38, 1-based): chr2:47,799,073, G>C. VCF-style: chr2-47799073-G-C. GRCh37 (hg19) VCF-style: chr2-48026212-G-C.
Other names: c.700G>C, p.Val234Leu (NM_001281492.2); c.184G>C, p.Val62Leu (NM_001281493.2, NM_001281494.2); short protein forms V234L, V364L, V62L.
Identifiers: ClinVar variation 1316992 (VCV001316992.8), dbSNP rs1437629945, ClinGen allele CA346741848.
Genomic context (GRCh38, chr2:47,799,073, plus strand): 5'-CAAAATTCTGAATCCCAAGCCCACGTTAGTGGAGGTGGTGATGACAGTAGTCGCCCTACT[G>C]TTTGGTATCATGAAACTTTAGAATGGCTTAAGGAGGAAAAGAGAAGAGATGAGCACAGGA-3'
Protein context (NP_000170.1, residues 354-374): GGGDDSSRPT[Val364Leu]WYHETLEWLK